The following is an entry in ClinVar:

ClinVar aggregate classification (germline): Pathogenic. Review status: criteria provided, multiple submitters, no conflicts (2 of 4 stars). 4 submissions from 4 submitters: Pathogenic (4). Last evaluated 2025-09-10.

Conditions:
Combined immunodeficiency with skin granulomas. Identifiers: Orphanet 157949, MedGen C2673536, MONDO:0009306, OMIM 233650.
Severe combined immunodeficiency, autosomal recessive, T cell-negative, B cell-negative, NK cell-positive. Also called: SCID, AR, T-cell negative, B-cell negative, NK cell-positive; SCID, T CELL-NEGATIVE, B CELL-NEGATIVE, NK CELL-POSITIVE; Severe combined immunodeficiency due to complete RAG1/2 deficiency. Identifiers: Orphanet 331206, MedGen C1832322, MONDO:0011086, OMIM 601457.
Combined immunodeficiency due to partial RAG1 deficiency. Identifiers: Orphanet 231154, MedGen C1835931, MONDO:0012359, OMIM 609889.
RAG1-related disorder. Also called: RAG1-related condition; RAG1-related disorders.

Allele frequency attached by ClinVar (database versions not stated): ExAC 0.00002; gnomAD exomes 0.00001 and 0.00003; TOPMed below 0.00001; gnomAD 0.00001; 1000 Genomes Project 30x 0.00016; 1000 Genomes Project 0.00020.
gnomAD v4.1: 17 of 1,614,086 alleles (0.0011%); highest among the groups gnomAD compares: Admixed American, 0.0067%; no homozygotes.

Submissions (4):

Genomic Medicine Center of Excellence, King Faisal Specialist Hospital and Research Centre
Classification: Pathogenic for Severe combined immunodeficiency, autosomal recessive, T cell-negative, B cell-negative, NK cell-positive. Last evaluated: 2025-09-10. Review status: criteria provided, single submitter. Criteria: ACMG Guidelines, 2015. Collection method: clinical testing. Allele origin: germline.

Labcorp Genetics (formerly Invitae), Labcorp
Classification: Pathogenic for Combined immunodeficiency with skin granulomas; Severe combined immunodeficiency, autosomal recessive, T cell-negative, B cell-negative, NK cell-positive. Last evaluated: 2024-06-22. Review status: criteria provided, single submitter. Criteria: Invitae Variant Classification Sherloc (09022015). Collection method: clinical testing. Allele origin: germline.
Comment: This sequence change replaces isoleucine, which is neutral and non-polar, with threonine, which is neutral and polar, at codon 956 of the RAG1 protein (p.Ile956Thr). This variant is present in population databases (rs182385524, gnomAD 0.01%). This missense change has been observed in individual(s) with Omenn syndrome (PMID: 16960852, 24290284, 28083621). In at least one individual the data is consistent with being in trans (on the opposite chromosome) from a pathogenic variant. ClinVar contains an entry for this variant (Variation ID: 1075542). Advanced modeling of protein sequence and biophysical properties (such as structural, functional, and spatial information, amino acid conservation, physicochemical variation, residue mobility, and thermodynamic stability) has been performed at Invitae for this missense variant, however the output from this modeling did not meet the statistical confidence thresholds required to predict the impact of this variant on RAG1 protein function. Experimental studies have shown that this missense change affects RAG1 function (PMID: 24290284). For these reasons, this variant has been classified as Pathogenic.

Baylor Genetics
Classification: Pathogenic for Combined immunodeficiency due to partial RAG1 deficiency. Last evaluated: 2023-12-19. Review status: criteria provided, single submitter. Criteria: ACMG Guidelines, 2015. Collection method: clinical testing. Allele origin: unknown.

PreventionGenetics, part of Exact Sciences
Classification: Pathogenic for RAG1-related condition. Last evaluated: 2023-05-02. Review status: criteria provided, single submitter. Criteria: ACMG Guidelines, 2015. Collection method: clinical testing. Allele origin: germline.
Comment: The RAG1 c.2867T>C variant is predicted to result in the amino acid substitution p.Ile956Thr. This variant has been reported in the homozygous and compound heterozygous states in individuals with Omenn syndrome or atypical severe combined immunodeficiency (Patient 50, Sobacchi et al. 2006. PubMed ID: 16960852; Patient 1, Szaflarska et al. 2017. PubMed ID: 28083621; Table S1, No 20 and 63, Sharapova et al. 2020. PubMed ID: 32655540). It was also reported in the homozygous state in an individual with a suspected primary immunodeficiency, however additional information was not provided (Patient 332, Platt et al. 2020. PubMed ID: 32888943). Functional studies have shown that this variant leads to a reduction in recombination activity (Table E1, Lee et al. 2014. PubMed ID: 24290284). This variant is reported in 0.010% of alleles in individuals of Ashkenazi Jewish descent in gnomAD and is interpreted as pathogenic in ClinVar. This variant is interpreted as pathogenic.

Literature cited by the submitters: PubMed 16960852 (cited by Labcorp Genetics (formerly Invitae), Labcorp); PubMed 24290284 (cited by Labcorp Genetics (formerly Invitae), Labcorp); PubMed 28083621 (cited by Labcorp Genetics (formerly Invitae), Labcorp).

NM_000448.3(RAG1):c.2867T>C (p.Ile956Thr)

Gene: RAG1 (recombination activating 1; plus strand). Cytogenetic location: 11p12.
Variant type: single nucleotide variant.
Coding change: c.2867T>C on transcript NM_000448.3 (MANE Select); coding-DNA position 2867, T replaced by C.
Protein change: p.Ile956Thr; replaces isoleucine 956 with threonine.
Molecular consequence: missense variant.
Genome position (GRCh38, 1-based): chr11:36,576,171, T>C. VCF-style: chr11-36576171-T-C. GRCh37 (hg19) VCF-style: chr11-36597721-T-C.
Other names: c.2867T>C, p.Ile956Thr (NM_001377277.1, NM_001377278.1, NM_001377279.1 and 1 more transcripts); c.2867T>C (NM_000448.2); short protein forms I956T.
Identifiers: ClinVar variation 1075542 (VCV001075542.10), dbSNP rs182385524, ClinGen allele CA5950330.